The following is an entry in ClinVar:

NM_206933.4(USH2A):c.8223+1G>T

Gene: USH2A (usherin; minus strand). Cytogenetic location: 1q41.
Variant type: single nucleotide variant.
Coding change: c.8223+1G>T on transcript NM_206933.4 (MANE Select); the canonical splice donor site of the intron after coding-DNA position 8223, G replaced by T.
Molecular consequence: splice donor variant.
Genome position (GRCh38, 1-based): chr1:215,888,425, C>A on the plus strand (G>T on the coding strand, the complement: USH2A is on the minus strand). VCF-style: chr1-215888425-C-A. GRCh37 (hg19) VCF-style: chr1-216061767-C-A.
Identifiers: ClinVar variation 2679467 (VCV002679467.2), dbSNP rs1553273280, ClinGen allele CA344838302.
Genomic context (GRCh38, chr1:215,888,425, plus strand): 5'-CAGAGTCAATCCAGGGTACATTCCTAAGTCTGCAAAGGAGAGAGAATAGTCAGTATCTTA[C>A]CTGGACTGCATCGGGTTCCAGCACTGTCACCACAGGTGGCTGCACCCCAGCAGGTCGTGA-3'

ClinVar aggregate classification (germline): Pathogenic/Likely pathogenic. Review status: criteria provided, multiple submitters, no conflicts (2 of 4 stars). 2 submissions from 2 submitters: Pathogenic (1); Likely pathogenic (1). Last evaluated 2025-06-27.

Conditions:
Retinitis pigmentosa 39 (RP39). Identifiers: Orphanet 791, MedGen C3151138, MONDO:0013436, OMIM 613809.

Submissions (2):

Labcorp Genetics (formerly Invitae), Labcorp
Classification: Pathogenic. Last evaluated: 2025-06-27. Review status: criteria provided, single submitter. Criteria: Invitae Variant Classification Sherloc (09022015). Collection method: clinical testing. Allele origin: germline.
Comment: This sequence change affects a donor splice site in intron 41 of the USH2A gene. It is expected to disrupt RNA splicing. Variants that disrupt the donor or acceptor splice site typically lead to a loss of protein function (PMID: 16199547), and loss-of-function variants in USH2A are known to be pathogenic (PMID: 10729113, 10909849, 20507924, 25649381). This variant is not present in population databases (gnomAD no frequency). Disruption of this splice site has been observed in individual(s) with Usher syndrome (PMID: 25133613). ClinVar contains an entry for this variant (Variation ID: 2679467). Algorithms developed to predict the effect of sequence changes on RNA splicing suggest that this variant may disrupt the consensus splice site. For these reasons, this variant has been classified as Pathogenic.

Baylor Genetics
Classification: Likely pathogenic for Retinitis pigmentosa 39. Last evaluated: 2023-08-28. Review status: criteria provided, single submitter. Criteria: ACMG Guidelines, 2015. Collection method: clinical testing. Allele origin: unknown.

Literature cited by the submitters: PubMed 16199547 (cited by Labcorp Genetics (formerly Invitae), Labcorp); PubMed 10729113 (cited by Labcorp Genetics (formerly Invitae), Labcorp); PubMed 10909849 (cited by Labcorp Genetics (formerly Invitae), Labcorp); PubMed 20507924 (cited by Labcorp Genetics (formerly Invitae), Labcorp); PubMed 25649381 (cited by Labcorp Genetics (formerly Invitae), Labcorp); PubMed 25133613 (cited by Labcorp Genetics (formerly Invitae), Labcorp).